The following is an entry in ClinVar:

NM_001242896.3(DEPDC5):c.493C>T (p.Arg165Cys)

Gene: DEPDC5 (DEP domain containing 5, GATOR1 subcomplex subunit; plus strand). Cytogenetic location: 22q12.2.
Variant type: single nucleotide variant.
Coding change: c.493C>T on transcript NM_001242896.3 (MANE Select); coding-DNA position 493, C replaced by T.
Protein change: p.Arg165Cys; replaces arginine 165 with cysteine.
Molecular consequence: missense variant. On other transcripts: non-coding transcript variant (5).
Genome position (GRCh38, 1-based): chr22:31,783,916, C>T. VCF-style: chr22-31783916-C-T. GRCh37 (hg19) VCF-style: chr22-32179902-C-T.
Other names: c.493C>T, p.Arg165Cys (NM_001007188.4, NM_001136029.4, NM_001242897.2 and 7 more transcripts); c.409C>T, p.Arg137Cys (NM_001369901.1, NM_001369902.1); short protein forms R137C, R165C.
Identifiers: ClinVar variation 5008174 (VCV005008174.1).

ClinVar aggregate classification (germline): Uncertain significance (1 of 4 stars; one submission).

Submission:

GeneDx
Classification: Uncertain significance. Last evaluated: 2026-03-05. Review status: criteria provided, single submitter. Criteria: GeneDx Variant Classification Process June 2021. Collection method: clinical testing. Allele origin: germline.
Comment: Not observed at significant frequency in large population cohorts (gnomAD); In silico analysis supports that this missense variant has a deleterious effect on protein structure/function; Has not been previously published as pathogenic or benign to our knowledge